The following is an entry in ClinVar:

ClinVar aggregate classification (germline): Uncertain significance. Review status: criteria provided, multiple submitters, no conflicts (2 of 4 stars). 2 submissions from 2 submitters: Uncertain significance (2). Last evaluated 2025-08-02.

Conditions:
Inborn genetic diseases. Identifiers: MedGen C0950123, MeSH D030342.

Submissions (2):

Labcorp Genetics (formerly Invitae), Labcorp
Classification: Uncertain significance. Last evaluated: 2025-08-02. Review status: criteria provided, single submitter. Criteria: Invitae Variant Classification Sherloc (09022015). Collection method: clinical testing. Allele origin: germline.
Comment: This sequence change replaces leucine, which is neutral and non-polar, with valine, which is neutral and non-polar, at codon 595 of the FOXP1 protein (p.Leu595Val). This variant is present in population databases (no rsID available, gnomAD 0.006%). This variant has not been reported in the literature in individuals affected with FOXP1-related conditions. ClinVar contains an entry for this variant (Variation ID: 2282847). Invitae Evidence Modeling of protein sequence and biophysical properties (such as structural, functional, and spatial information, amino acid conservation, physicochemical variation, residue mobility, and thermodynamic stability) indicates that this missense variant is not expected to disrupt FOXP1 protein function with a negative predictive value of 80%. In summary, the available evidence is currently insufficient to determine the role of this variant in disease. Therefore, it has been classified as a Variant of Uncertain Significance.

Ambry Genetics
Classification: Uncertain significance for Inborn genetic diseases. Last evaluated: 2022-04-12. Review status: criteria provided, single submitter. Criteria: Ambry Variant Classification Scheme 2023. Collection method: clinical testing. Allele origin: germline.

NM_001349338.3(FOXP1):c.1783C>G (p.Leu595Val)

Gene: FOXP1 (forkhead box P1; minus strand). Cytogenetic location: 3p13.
Variant type: single nucleotide variant.
Coding change: c.1783C>G on transcript NM_001349338.3 (MANE Select); coding-DNA position 1783, C replaced by G.
Protein change: p.Leu595Val; replaces leucine 595 with valine.
Molecular consequence: missense variant. On other transcripts: non-coding transcript variant (2).
Genome position (GRCh38, 1-based): chr3:70,965,996, G>C on the plus strand (C>G on the coding strand, the complement: FOXP1 is on the minus strand). VCF-style: chr3-70965996-G-C. GRCh37 (hg19) VCF-style: chr3-71015147-G-C.
Other names: c.1780C>G, p.Leu594Val (NM_001244808.3, NM_001349341.3); c.1831C>G, p.Leu611Val (NM_001244810.2); c.1555C>G, p.Leu519Val (NM_001244812.3); c.1483C>G, p.Leu495Val (NM_001244813.3, NM_001244815.2, NM_001349342.3); c.1783C>G, p.Leu595Val (NM_001244814.3, NM_001244816.2, NM_001349340.3 and 1 more transcripts); c.1480C>G, p.Leu494Val (NM_001349337.2, NM_001349343.3, NM_001349344.3 and 1 more transcripts); short protein forms L494V, L495V, L594V, L611V, L595V, L519V.
Identifiers: ClinVar variation 2282847 (VCV002282847.3), dbSNP rs1292897246, ClinGen allele CA353489669.
Genomic context (GRCh38, chr3:70,965,996, plus strand): 5'-TGTTGGTATGCTCCATTGCCCCGTTCAGCTCTTCCCGTATTGCGCTGGCTAAGTTGCCCA[G>C]AGTGGGATTTCCCATGGAAGCGGTAGTGTATAGAGGTATACTATTCTCAGCCATTGAAGC-3'
Protein context (NP_001336267.1, residues 585-605): YTTASMGNPT[Leu595Val]GNLASAIREE